The following is an entry in ClinVar:

ClinVar aggregate classification (germline): Benign/Likely benign. Review status: criteria provided, multiple submitters, no conflicts (2 of 4 stars). 3 submissions from 3 submitters: Benign (1); Likely benign (2). Last evaluated 2026-02-14.

Conditions:
Ehlers-Danlos syndrome, classic type, 1 (EDSCL1). Also called: EHLERS-DANLOS SYNDROME, GRAVIS TYPE; EHLERS-DANLOS SYNDROME, SEVERE CLASSIC TYPE; Ehlers-Danlos Syndrome, Classic Type, COL5A1-Related; EDS I; Ehlers-Danlos syndrome, type 1. Identifiers: MedGen C0268335, MONDO:0019567, OMIM 130000.

Allele frequency attached by ClinVar (database versions not stated): gnomAD exomes 0.00005 and 0.00004; 1000 Genomes Project 0.00020; ExAC 0.00007; gnomAD 0.00002 and 0.00003; ESP Exome Variant Server 0.00015; TOPMed 0.00003; 1000 Genomes Project 30x 0.00031.
gnomAD v4.1: 70 of 1,613,036 alleles (0.0043%); highest among the groups gnomAD compares: African/African-American, 0.011%; 1 homozygote.

Submissions (3):

Women's Health and Genetics/Laboratory Corporation of America, LabCorp
Classification: Benign. Last evaluated: 2026-02-14. Review status: criteria provided, single submitter. Criteria: LabCorp Variant Classification Summary - May 2015. Collection method: clinical testing. Allele origin: germline.

Labcorp Genetics (formerly Invitae), Labcorp
Classification: Likely benign for Ehlers-Danlos syndrome, classic type, 1. Last evaluated: 2025-12-30. Review status: criteria provided, single submitter. Criteria: Invitae Variant Classification Sherloc (09022015). Collection method: clinical testing. Allele origin: germline.

GeneDx
Classification: Likely benign. Last evaluated: 2016-06-23. Review status: criteria provided, single submitter. Criteria: GeneDx Variant Classification (06012015). Collection method: clinical testing. Allele origin: germline. Affected: yes.
Comment: This variant is considered likely benign or benign based on one or more of the following criteria: it is a conservative change, it occurs at a poorly conserved position in the protein, it is predicted to be benign by multiple in silico algorithms, and/or has population frequency not consistent with disease.

NM_000093.5(COL5A1):c.655-16G>A

Gene: COL5A1 (collagen type V alpha 1 chain; plus strand). Cytogenetic location: 9q34.3.
Variant type: single nucleotide variant.
Coding change: c.655-16G>A on transcript NM_000093.5 (MANE Select); 16 bases into the intron before coding-DNA position 655, G replaced by A.
Molecular consequence: intron variant.
Genome position (GRCh38, 1-based): chr9:134,727,250, G>A. VCF-style: chr9-134727250-G-A. GRCh37 (hg19) VCF-style: chr9-137619096-G-A.
Other names: c.655-16G>A (NM_001278074.1).
Identifiers: ClinVar variation 387187 (VCV000387187.10), dbSNP rs371301230, ClinGen allele CA5318486.